The following is an entry in ClinVar:

ClinVar aggregate classification (germline): Conflicting classifications of pathogenicity. Review status: criteria provided, conflicting classifications (1 of 4 stars). 4 submissions from 4 submitters: Uncertain significance (3); Likely benign (1). Last evaluated 2026-05-26.

Conditions:
Hereditary cancer-predisposing syndrome. Also called: Tumor predisposition; Neoplastic Syndromes, Hereditary; Hereditary neoplastic syndrome; Hereditary Cancer Syndrome. Identifiers: Orphanet 140162, MedGen C0027672, MeSH D009386, MONDO:0015356.
Cardiovascular phenotype. Identifiers: MedGen CN230736.
Neurofibromatosis, type 1 (NF1). Also called: Peripheral type neurofibromatosis; Neurofibromatosis, type I; NEUROFIBROMATOSIS, TYPE I, SOMATIC; VON RECKLINGHAUSEN DISEASE. Identifiers: Orphanet 636, MedGen C0027831, MONDO:0018975, OMIM 162200. Disease mechanism: loss of function.

Submissions (4):

Ambry Genetics
Classification: Likely benign for Cardiovascular phenotype; Hereditary cancer-predisposing syndrome. Last evaluated: 2026-05-26. Review status: criteria provided, single submitter. Criteria: Ambry Variant Classification Scheme 2023. Collection method: clinical testing. Allele origin: germline.

St. Jude Molecular Pathology, St. Jude Children's Research Hospital
Classification: Uncertain significance for Neurofibromatosis, type 1. Last evaluated: 2024-03-07. Review status: criteria provided, single submitter. Criteria: St. Jude Assertion Criteria 2020. Collection method: clinical testing. Allele origin: germline.
Comment: The NF1 c.1024A>G (p.Ile342Val) missense change is absent in gnomAD v2.1.1. The in silico tool REVEL predicts a benign effect on protein function, but to our knowledge this prediction has not been confirmed by functional studies. To our knowledge, this variant has not been reported in individuals with Neurofibromatosis type 1. In summary, the evidence currently available is insufficient to determine the clinical significance of this variant. It has therefore been classified as of uncertain significance.

Labcorp Genetics (formerly Invitae), Labcorp
Classification: Uncertain significance for Neurofibromatosis, type 1. Last evaluated: 2023-12-27. Review status: criteria provided, single submitter. Criteria: Invitae Variant Classification Sherloc (09022015). Collection method: clinical testing. Allele origin: germline.
Comment: This sequence change replaces isoleucine, which is neutral and non-polar, with valine, which is neutral and non-polar, at codon 342 of the NF1 protein (p.Ile342Val). This variant is not present in population databases (gnomAD no frequency). This variant has not been reported in the literature in individuals affected with NF1-related conditions. ClinVar contains an entry for this variant (Variation ID: 840945). Advanced modeling of protein sequence and biophysical properties (such as structural, functional, and spatial information, amino acid conservation, physicochemical variation, residue mobility, and thermodynamic stability) performed at Invitae indicates that this missense variant is not expected to disrupt NF1 protein function with a negative predictive value of 95%. In summary, the available evidence is currently insufficient to determine the role of this variant in disease. Therefore, it has been classified as a Variant of Uncertain Significance.

Mayo Clinic Laboratories, Mayo Clinic
Classification: Uncertain significance. Last evaluated: 2022-09-29. Review status: criteria provided, single submitter. Criteria: ACMG Guidelines, 2015. Collection method: clinical testing. Allele origin: germline. Observed: 1 variant allele.
Comment: BP4, PM2

NM_001042492.3(NF1):c.1024A>G (p.Ile342Val)

Gene: NF1 (neurofibromin 1; plus strand). Cytogenetic location: 17q11.2.
Variant type: single nucleotide variant.
Coding change: c.1024A>G on transcript NM_001042492.3 (MANE Select); coding-DNA position 1024, A replaced by G.
Protein change: p.Ile342Val; replaces isoleucine 342 with valine.
Molecular consequence: missense variant.
Genome position (GRCh38, 1-based): chr17:31,200,557, A>G. VCF-style: chr17-31200557-A-G. GRCh37 (hg19) VCF-style: chr17-29527575-A-G.
Other names: p.Ile342Val; c.1024A>G, p.Ile342Val (NM_001128147.3, NM_000267.4); short protein forms I342V.
Identifiers: ClinVar variation 840945 (VCV000840945.12), dbSNP rs2066509214, ClinGen allele CA398996351.